The following is an entry in ClinVar:

Single allele

Gene: DMD (dystrophin; minus strand). Cytogenetic location: Xp21.1.
Variant type: Duplication.
Identifiers: ClinVar variation 4682425 (VCV004682425.1).

ClinVar aggregate classification (germline): Pathogenic (1 of 4 stars; one submission).

Submission:

Athena Diagnostics
Classification: Pathogenic. Last evaluated: 2025-05-07. Review status: criteria provided, single submitter. Criteria: Athena Diagnostics Criteria. Collection method: clinical testing. Allele origin: unknown.
Comment: Similar duplications of DMD exons 18-30 have not been reported in large, multi-ethnic general populations. This variant is likely inserted in tandem within the DMD gene (PMID: 25640679) and, if so, would severely disrupt protein function. Similar duplications of exons 18-30 have been reported in multiple individuals described as having Duchenne muscular dystrophy (DMD), or in individuals where the type of dystrophinopathy was not specified.

Literature cited by the submitters: PubMed 32194622; PubMed 29973226; PubMed 34327855; PubMed 37712502; PubMed 37754746; PubMed 39565433; PubMed 26686765.